The following is an entry in ClinVar:

ClinVar aggregate classification (germline): Likely benign. Review status: criteria provided, multiple submitters, no conflicts (2 of 4 stars). 2 submissions from 2 submitters: Likely benign (2). Last evaluated 2025-12-02.

Conditions:
Melnick-Needles syndrome (MNS). Also called: MELNICK-NEEDLES OSTEODYSPLASTY; Melnick-Needles Syndrome (FLNA-MNS); OSTEODYSPLASTY OF MELNICK AND NEEDLES. Identifiers: Orphanet 2484, MedGen C0025237, MONDO:0010650, OMIM 309350.
Frontometaphyseal dysplasia (FMD1). Identifiers: Orphanet 1826, MedGen C0265293, MONDO:0015942.
Heterotopia, periventricular, X-linked dominant (PVNH1). Also called: PERIVENTRICULAR NODULAR HETEROTOPIA 4; HETEROTOPIA, PERIVENTRICULAR, 1; PERIVENTRICULAR NODULAR HETEROTOPIA 1; X-linked periventricular heterotopia. Identifiers: Orphanet 2149, Orphanet 82004, MedGen C1848213, MONDO:0010233, OMIM 300049.
Oto-palato-digital syndrome, type II (OPD2). Also called: Otopalatodigital Syndrome Type 2 (FLNA-OPD2); FACIOPALATOOSSEOUS SYNDROME; OPD II SYNDROME; Otopalatodigital Syndrome, Type II. Identifiers: Orphanet 669, Orphanet 90652, MedGen C1844696, MONDO:0010571, OMIM 304120.

Allele frequency attached by ClinVar (database versions not stated): TOPMed 0.00002; gnomAD exomes 0.00004; ExAC 0.00006; ESP Exome Variant Server 0.00020.
gnomAD v4.1: 57 of 1,208,218 alleles (0.0047%); highest among the groups gnomAD compares: Non-Finnish European, 0.005%; no homozygotes.

Submissions (2):

Labcorp Genetics (formerly Invitae), Labcorp
Classification: Likely benign for Oto-palato-digital syndrome, type II; Heterotopia, periventricular, X-linked dominant; Frontometaphyseal dysplasia; Melnick-Needles syndrome. Last evaluated: 2025-12-02. Review status: criteria provided, single submitter. Criteria: Invitae Variant Classification Sherloc (09022015). Collection method: clinical testing. Allele origin: germline.

GeneDx
Classification: Likely benign. Last evaluated: 2017-11-28. Review status: criteria provided, single submitter. Criteria: GeneDx Variant Classification (06012015). Collection method: clinical testing. Allele origin: germline. Affected: yes.
Comment: This variant is considered likely benign or benign based on one or more of the following criteria: it is a conservative change, it occurs at a poorly conserved position in the protein, it is predicted to be benign by multiple in silico algorithms, and/or has population frequency not consistent with disease.

NM_001110556.2(FLNA):c.2656+14C>G

Gene: FLNA (filamin A; minus strand). Cytogenetic location: Xq28.
Variant type: single nucleotide variant.
Coding change: c.2656+14C>G on transcript NM_001110556.2 (MANE Select); 14 bases into the intron after coding-DNA position 2656, C replaced by G.
Molecular consequence: intron variant.
Genome position (GRCh38, 1-based): chrX:154,362,228, G>C on the plus strand (C>G on the coding strand, the complement: FLNA is on the minus strand). VCF-style: chrX-154362228-G-C. GRCh37 (hg19) VCF-style: chrX-153590596-G-C.
Other names: c.2656+14C>G (NM_001456.4).
Identifiers: ClinVar variation 513527 (VCV000513527.6), dbSNP rs369957061, ClinGen allele CA10560875.
Genomic context (GRCh38, chrX:154,362,228, plus strand): 5'-CATGTAGGGGCACCCTGCCCCAAGCCCTCCTACCCTTGATGCCCCGCAACCTGCCATGGG[G>C]TACCTGTCCTCACCAGTGCGACTGAGGCCAGGGCCCTCGGCCTTCACCTTACTGGCGTCA-3'